The following is an entry in ClinVar:

NM_005188.4(CBL):c.1190G>A (p.Gly397Glu)

Gene: CBL (Cbl proto-oncogene; plus strand). Cytogenetic location: 11q23.3.
Variant type: single nucleotide variant.
Coding change: c.1190G>A on transcript NM_005188.4 (MANE Select); coding-DNA position 1190, G replaced by A.
Protein change: p.Gly397Glu; replaces glycine 397 with glutamic acid.
Molecular consequence: missense variant.
Genome position (GRCh38, 1-based): chr11:119,278,260, G>A. VCF-style: chr11-119278260-G-A. GRCh37 (hg19) VCF-style: chr11-119148970-G-A.
Other names: short protein forms G397E.
Identifiers: ClinVar variation 1708304 (VCV001708304.3), dbSNP rs776364583, ClinGen allele CA6318449.

ClinVar aggregate classification (germline): Uncertain significance (1 of 4 stars; one submission).

Allele frequency attached by ClinVar (database versions not stated): ExAC 0.00001.
gnomAD v4.1: 1 of 1,613,614 alleles (0.000062%); highest among the groups gnomAD compares: Non-Finnish European, 0.000085%; no homozygotes.

Submission:

Centre of Medical Genetics, University Hospital Muenster
Classification: Uncertain significance. Last evaluated: 2021-12-16. Review status: criteria provided, single submitter. Criteria: ACMG Guidelines, 2015. Collection method: clinical testing. Allele origin: unknown. Affected: yes. Observed: 1 variant allele, 1 heterozygote.
Comment: ACMG categories: PM1,PM2,PP3